The following is an entry in ClinVar:

ClinVar aggregate classification (germline): Conflicting classifications of pathogenicity. Review status: criteria provided, conflicting classifications (1 of 4 stars). 5 submissions from 5 submitters: Uncertain significance (1); Likely benign (4). Last evaluated 2024-11-13.

Conditions:
Hereditary breast ovarian cancer syndrome. Also called: Hereditary breast and/or ovarian cancer syndrome; Hereditary breast and ovarian cancer syndrome; Hereditary breast and ovarian cancer syndrome (HBOC); Hereditary breast and ovarian cancer; BRCA1- and BRCA2-Associated Hereditary Breast and Ovarian Cancer; Breast and ovarian cancer. Identifiers: Orphanet 145, MedGen C0677776, MeSH D061325, MONDO:0003582. Disease mechanism: loss of function.
Hereditary cancer-predisposing syndrome. Also called: Tumor predisposition; Hereditary neoplastic syndrome; Neoplastic Syndromes, Hereditary; Hereditary Cancer Syndrome. Identifiers: Orphanet 140162, MedGen C0027672, MeSH D009386, MONDO:0015356.

Allele frequency attached by ClinVar (database versions not stated): gnomAD exomes 0.00001.
gnomAD v4.1: 11 of 1,614,040 alleles (0.00068%); highest among the groups gnomAD compares: Non-Finnish European, 0.00093%; no homozygotes.

Submissions (5):

Labcorp Genetics (formerly Invitae), Labcorp
Classification: Likely benign for Hereditary breast ovarian cancer syndrome. Last evaluated: 2024-11-13. Review status: criteria provided, single submitter. Criteria: Invitae Variant Classification Sherloc (09022015). Collection method: clinical testing. Allele origin: germline.

Quest Diagnostics Nichols Institute San Juan Capistrano
Classification: Uncertain significance. Last evaluated: 2024-04-01. Review status: criteria provided, single submitter. Criteria: Quest Diagnostics criteria. Collection method: clinical testing. Allele origin: unknown.
Comment: The BRCA2 c.9129A>G (p.Glu3043=) synonymous variant has not been reported in individuals with BRCA2-related conditions in the published literature. It also has not been reported in large, multi-ethnic general populations (Genome Aggregation Database). Analysis of this variant using software algorithms for the prediction of the effect of nucleotide changes on splicing yielded predictions that this variant does not affect BRCA2 mRNA splicing. Based on the available information, we are unable to determine the clinical significance of this variant.

Women's Health and Genetics/Laboratory Corporation of America, LabCorp
Classification: Likely benign. Last evaluated: 2020-04-06. Review status: criteria provided, single submitter. Criteria: LabCorp Variant Classification Summary - May 2015. Collection method: clinical testing. Allele origin: germline.

Ambry Genetics
Classification: Likely benign for Hereditary cancer-predisposing syndrome. Last evaluated: 2019-07-22. Review status: criteria provided, single submitter. Criteria: Ambry Variant Classification Scheme 2023. Collection method: clinical testing. Allele origin: germline.

GeneDx
Classification: Likely benign. Last evaluated: 2018-05-23. Review status: criteria provided, single submitter. Criteria: GeneDx Variant Classification Process June 2021. Collection method: clinical testing. Allele origin: germline. Affected: yes.

NM_000059.4(BRCA2):c.9129A>G (p.Glu3043=)

Gene: BRCA2 (BRCA2 DNA repair associated; plus strand). Cytogenetic location: 13q13.1.
Variant type: single nucleotide variant.
Coding change: c.9129A>G on transcript NM_000059.4 (MANE Select); coding-DNA position 9129, A replaced by G.
Protein change: p.Glu3043=; no amino-acid change (glutamic acid 3043 retained).
Molecular consequence: synonymous variant.
Genome position (GRCh38, 1-based): chr13:32,380,018, A>G. VCF-style: chr13-32380018-A-G. GRCh37 (hg19) VCF-style: chr13-32954155-A-G.
Identifiers: ClinVar variation 379137 (VCV000379137.19), dbSNP rs28897757, ClinGen allele CA16606832.